The following is an entry in ClinVar:

NM_000452.3(SLC10A2):c.498T>C (p.Gly166=)

Gene: SLC10A2 (solute carrier family 10 member 2; minus strand). Cytogenetic location: 13q33.1.
Variant type: single nucleotide variant.
Coding change: c.498T>C on transcript NM_000452.3 (MANE Select); coding-DNA position 498, T replaced by C.
Protein change: p.Gly166=; no amino-acid change (glycine 166 retained).
Molecular consequence: synonymous variant.
Genome position (GRCh38, 1-based): chr13:103,052,707, A>G on the plus strand (T>C on the coding strand, the complement: SLC10A2 is on the minus strand). VCF-style: chr13-103052707-A-G. GRCh37 (hg19) VCF-style: chr13-103705057-A-G.
Identifiers: ClinVar variation 3031147 (VCV003031147.2), dbSNP rs1047392349, ClinGen allele CA255205682.
Genomic context (GRCh38, chr13:103,052,707, plus strand): 5'-CCATTTGTGATTAACAAACATTCCAATGGAAACAGGAACAACGAGAGAAACCAGAGATGT[A>G]CCTAAAGATGACAGAAGGGCAATGTGATCAGCAGAACAGGTGACACAGGAAAGAGAAAAA-3'
Protein context (NP_000443.2, residues 156-176): GSIVIPYDNI[Gly166=]TSLVSLVVPV

ClinVar aggregate classification (germline): Likely benign (0 of 4 stars; one submission).

Conditions:
SLC10A2-related disorder. Also called: SLC10A2-related condition.

Allele frequency attached by ClinVar (database versions not stated): gnomAD exomes below 0.00001; TOPMed 0.00002; gnomAD 0.00003.

Submission:

PreventionGenetics, part of Exact Sciences
Classification: Likely benign for SLC10A2-related condition. Last evaluated: 2021-03-29. Review status: no assertion criteria provided. Collection method: clinical testing. Allele origin: germline.
Comment: This variant is classified as likely benign based on ACMG/AMP sequence variant interpretation guidelines (Richards et al. 2015 PMID: 25741868, with internal and published modifications).